The following is an entry in ClinVar:

ClinVar aggregate classification (germline): Uncertain significance. Review status: criteria provided, multiple submitters, no conflicts (2 of 4 stars). 3 submissions from 3 submitters: Uncertain significance (3). Last evaluated 2024-11-19.

Conditions:
Inborn genetic diseases. Identifiers: MedGen C0950123, MeSH D030342.
Borjeson-Forssman-Lehmann syndrome (BFLS). Also called: BORJESON SYNDROME; MENTAL RETARDATION, X-LINKED, SYNDROMIC, BORJESON-FORSSMAN-LEHMANN TYPE; MENTAL RETARDATION, EPILEPSY, AND ENDOCRINE DISORDERS. Identifiers: Orphanet 127, MedGen C0265339, MONDO:0010537, OMIM 301900.

Allele frequency attached by ClinVar (database versions not stated): gnomAD exomes 0.00001; TOPMed 0.00001; gnomAD 0.00003.
gnomAD v4.1: 7 of 1,205,755 alleles (0.00058%); highest among the groups gnomAD compares: Non-Finnish European, 0.00078%; no homozygotes.

Submissions (3):

Labcorp Genetics (formerly Invitae), Labcorp
Classification: Uncertain significance for Borjeson-Forssman-Lehmann syndrome. Last evaluated: 2024-11-19. Review status: criteria provided, single submitter. Criteria: Invitae Variant Classification Sherloc (09022015). Collection method: clinical testing. Allele origin: germline.
Comment: This sequence change replaces glutamine, which is neutral and polar, with histidine, which is basic and polar, at codon 114 of the PHF6 protein (p.Gln114His). This variant is not present in population databases (gnomAD no frequency). This variant has not been reported in the literature in individuals affected with PHF6-related conditions. ClinVar contains an entry for this variant (Variation ID: 1305156). Invitae Evidence Modeling of protein sequence and biophysical properties (such as structural, functional, and spatial information, amino acid conservation, physicochemical variation, residue mobility, and thermodynamic stability) indicates that this missense variant is not expected to disrupt PHF6 protein function with a negative predictive value of 80%. In summary, the available evidence is currently insufficient to determine the role of this variant in disease. Therefore, it has been classified as a Variant of Uncertain Significance.

Ambry Genetics
Classification: Uncertain significance for Inborn genetic diseases. Last evaluated: 2023-06-06. Review status: criteria provided, single submitter. Criteria: Ambry Variant Classification Scheme 2023. Collection method: clinical testing. Allele origin: germline.

GeneDx
Classification: Uncertain significance. Last evaluated: 2019-04-25. Review status: criteria provided, single submitter. Criteria: GeneDx Variant Classification Process June 2021. Collection method: clinical testing. Allele origin: germline. Affected: yes.
Comment: Not observed in large population cohorts (Lek et al., 2016); In silico analysis, which includes protein predictors and evolutionary conservation, supports that this variant does not alter protein structure/function; Has not been previously published as pathogenic or benign to our knowledge

NM_001015877.2(PHF6):c.342A>C (p.Gln114His)

Gene: PHF6 (PHD finger protein 6; plus strand). Cytogenetic location: Xq26.2.
Variant type: single nucleotide variant.
Coding change: c.342A>C on transcript NM_001015877.2 (MANE Select); coding-DNA position 342, A replaced by C.
Protein change: p.Gln114His; replaces glutamine 114 with histidine.
Molecular consequence: missense variant.
Genome position (GRCh38, 1-based): chrX:134,393,602, A>C. VCF-style: chrX-134393602-A-C. GRCh37 (hg19) VCF-style: chrX-133527632-A-C.
Other names: c.342A>C, p.Gln114His (NM_032335.3, NM_032458.3); short protein forms Q114H.
Identifiers: ClinVar variation 1305156 (VCV001305156.7), dbSNP rs1303947958, ClinGen allele CA414711729.
Genomic context (GRCh38, chrX:134,393,602, plus strand): 5'-TGATGTGAAAACATGTCACAGGACATACCACTACCACTGTGCATTGCATGATAAAGCTCA[A>C]ATACGAGAGAAACCTTCACAAGGAATTTACATGTAATTATTTAACTTCTCTTTAAGTTTT-3'
Protein context (NP_001015877.1, residues 104-124): HYHCALHDKA[Gln114His]IREKPSQGIY